The following is an entry in ClinVar:

ClinVar aggregate classification (germline): Uncertain significance (1 of 4 stars; one submission).

Submission:

Labcorp Genetics (formerly Invitae), Labcorp
Classification: Uncertain significance. Last evaluated: 2022-07-06. Review status: criteria provided, single submitter. Criteria: Invitae Variant Classification Sherloc (09022015). Collection method: clinical testing. Allele origin: germline.
Comment: In summary, the available evidence is currently insufficient to determine the role of this variant in disease. Therefore, it has been classified as a Variant of Uncertain Significance. Algorithms developed to predict the effect of missense changes on protein structure and function are either unavailable or do not agree on the potential impact of this missense change (SIFT: "Tolerated"; PolyPhen-2: "Probably Damaging"; Align-GVGD: "Class C0"). This sequence change replaces threonine, which is neutral and polar, with serine, which is neutral and polar, at codon 799 of the FCHO1 protein (p.Thr799Ser). This variant is not present in population databases (gnomAD no frequency). This variant has not been reported in the literature in individuals affected with FCHO1-related conditions.

NM_015122.3(FCHO1):c.2395A>T (p.Thr799Ser)

Gene: FCHO1 (FCH and mu domain containing endocytic adaptor 1; plus strand). Cytogenetic location: 19p13.11.
Variant type: single nucleotide variant.
Coding change: c.2395A>T on transcript NM_015122.3 (MANE Select); coding-DNA position 2395, A replaced by T.
Protein change: p.Thr799Ser; replaces threonine 799 with serine.
Molecular consequence: missense variant. On other transcripts: non-coding transcript variant (35), intron variant (5).
Genome position (GRCh38, 1-based): chr19:17,784,893, A>T. VCF-style: chr19-17784893-A-T. GRCh37 (hg19) VCF-style: chr19-17895702-A-T.
Other names: c.2395A>T, p.Thr799Ser (NM_001384371.1, NM_001384372.1, NM_001384373.1 and 11 more transcripts); c.2278A>T, p.Thr760Ser (NM_001384393.1, NM_001384394.1, NM_001384395.1 and 1 more transcripts); c.2119A>T, p.Thr707Ser (NM_001384396.1, NM_001384397.1, NM_001384398.1 and 4 more transcripts); c.1950+658A>T (NM_001384404.1); c.1800+658A>T (NM_001384406.1); c.1524-1681A>T (NM_001384407.1); c.2226+658A>T (NM_001384391.1); c.2055-1681A>T (NM_001384405.1); and 5 more; short protein forms T692S, T749S, T760S, T786S, T792S, T774S, T707S, T799S.
Identifiers: ClinVar variation 2007484 (VCV002007484.4), dbSNP rs1238147115, ClinGen allele CA404758141.